The following is an entry in ClinVar:

ClinVar aggregate classification (germline): Uncertain significance (1 of 4 stars; one submission).

Conditions:
Hereditary cancer-predisposing syndrome. Also called: Neoplastic Syndromes, Hereditary; Tumor predisposition; Hereditary neoplastic syndrome; Hereditary Cancer Syndrome. Identifiers: Orphanet 140162, MedGen C0027672, MeSH D009386, MONDO:0015356.

Submission:

Ambry Genetics
Classification: Uncertain significance for Hereditary cancer-predisposing syndrome. Last evaluated: 2024-06-24. Review status: criteria provided, single submitter. Criteria: Ambry Variant Classification Scheme 2023. Collection method: clinical testing. Allele origin: germline.
Comment: The c.812_814delTAA variant (also known as p.I271del) is located in coding exon 6 of the PTCH1 gene. This variant results from an in-frame TAA deletion at nucleotide positions 812 to 814. This results in the in-frame deletion of an isoleucine at codon 271. This amino acid position is well conserved in available vertebrate species. In addition, this alteration is predicted to be neutral by in silico analysis (Choi Y et al. PLoS ONE. 2012; 7(10):e46688). Based on the available evidence, the clinical significance of this variant remains unclear.

NM_000264.5(PTCH1):c.812_814del (p.Ile271del)

Gene: PTCH1 (patched 1; minus strand). Cytogenetic location: 9q22.32.
Variant type: Deletion.
Coding change: c.812_814del on transcript NM_000264.5 (MANE Select); coding-DNA positions 812 to 814, 3 bases deleted (TAA; older notation c.812_814delTAA).
Protein change: p.Ile271del; deletes isoleucine 271.
Molecular consequence: inframe deletion. On other transcripts: non-coding transcript variant (1).
Genome position (GRCh38, 1-based): chr9:95,480,521-95,480,523, TTA deleted on the plus strand (TAA on the coding strand, the reverse complement: PTCH1 is on the minus strand); deleting any 3 consecutive bases within chr9:95,480,521-95,480,525 gives the same sequence; the c. name uses the placement nearest the transcript's 3' end. VCF-style (leftmost placement, unchanged base first): chr9-95480520-TTTA-T. GRCh37 (hg19) VCF-style: chr9-98242802-TTTA-T.
Other names: c.614_616del, p.Ile205del (NM_001083602.3); c.809_811del, p.Ile270del (NM_001083603.3); c.359_361del, p.Ile120del (NM_001083604.3, NM_001083605.3, NM_001083606.3 and 1 more transcripts); c.812_814del, p.Ile271del (NM_001354918.2); short protein forms I120del, I205del, I270del, I271del.
Identifiers: ClinVar variation 827464 (VCV000827464.5), dbSNP rs1588610299, ClinGen allele CA915947081.